The following is an entry in ClinVar:

NM_138927.4(SON):c.2381A>G (p.Gln794Arg)

Gene: SON (SON DNA and RNA binding protein; plus strand). Cytogenetic location: 21q22.11.
Variant type: single nucleotide variant.
Coding change: c.2381A>G on transcript NM_138927.4 (MANE Select); coding-DNA position 2381, A replaced by G.
Protein change: p.Gln794Arg; replaces glutamine 794 with arginine.
Molecular consequence: missense variant. On other transcripts: non-coding transcript variant (1), intron variant (1).
Genome position (GRCh38, 1-based): chr21:33,551,612, A>G. VCF-style: chr21-33551612-A-G. GRCh37 (hg19) VCF-style: chr21-34923918-A-G.
Other names: c.2381A>G, p.Gln794Arg (NM_001291411.2, NM_001412133.1, NM_032195.3 and 2 more transcripts); c.244+5233A>G (NM_001291412.3); short protein forms Q794R.
Identifiers: ClinVar variation 2009461 (VCV002009461.4), dbSNP rs2517362735, ClinGen allele CA410157856.

ClinVar aggregate classification (germline): Uncertain significance (1 of 4 stars; one submission).

Submission:

Labcorp Genetics (formerly Invitae), Labcorp
Classification: Uncertain significance. Last evaluated: 2024-10-21. Review status: criteria provided, single submitter. Criteria: Invitae Variant Classification Sherloc (09022015). Collection method: clinical testing. Allele origin: germline.
Comment: This sequence change replaces glutamine, which is neutral and polar, with arginine, which is basic and polar, at codon 794 of the SON protein (p.Gln794Arg). This variant is not present in population databases (gnomAD no frequency). This variant has not been reported in the literature in individuals affected with SON-related conditions. ClinVar contains an entry for this variant (Variation ID: 2009461). An algorithm developed to predict the effect of missense changes on protein structure and function (PolyPhen-2) suggests that this variant is likely to be disruptive. In summary, the available evidence is currently insufficient to determine the role of this variant in disease. Therefore, it has been classified as a Variant of Uncertain Significance.